The following is an entry in ClinVar:

NM_001267550.2(TTN):c.66601G>A (p.Asp22201Asn)

Genes: TTN (titin; minus strand), TTN-AS1 (TTN antisense RNA 1; plus strand). Cytogenetic location: 2q31.2.
Variant type: single nucleotide variant.
Coding change: c.66601G>A on transcript NM_001267550.2 (MANE Select); coding-DNA position 66601, G replaced by A.
Protein change: p.Asp22201Asn; replaces aspartic acid 22201 with asparagine.
Molecular consequence: missense variant.
Genome position (GRCh38, 1-based): chr2:178,581,667, C>T on the plus strand (G>A on the coding strand, the complement: TTN is on the minus strand). VCF-style: chr2-178581667-C-T. GRCh37 (hg19) VCF-style: chr2-179446394-C-T.
Other names: p.Asp20560Asn; c.61678G>A, p.Asp20560Asn (NM_001256850.1); c.39406G>A, p.Asp13136Asn (NM_003319.4); c.58897G>A, p.Asp19633Asn (NM_133378.4); c.39781G>A, p.Asp13261Asn (NM_133432.3); c.39982G>A, p.Asp13328Asn (NM_133437.4); short protein forms D22201N, D19633N, D13136N, D13261N, D13328N, D20560N.
Identifiers: ClinVar variation 196005 (VCV000196005.19), dbSNP rs368924655, ClinGen allele CA242748.

ClinVar aggregate classification (germline): Conflicting classifications of pathogenicity. Review status: criteria provided, conflicting classifications (1 of 4 stars). 8 submissions from 8 submitters: Uncertain significance (6); Likely benign (1). 1 of the submissions does not count toward it. Last evaluated 2025-07-23.

Conditions:
TTN-related disorder. Also called: TTN-related condition; TTN-related disease; TTN-related disorders.
Cardiovascular phenotype. Identifiers: MedGen CN230736.
Dilated cardiomyopathy 1G (CMD1G). Identifiers: Orphanet 154, MedGen C1858763, MONDO:0011400, OMIM 604145.
Autosomal recessive limb-girdle muscular dystrophy type 2J (LGMDR10). Also called: Limb-girdle muscular dystrophy, type 2J; MUSCULAR DYSTROPHY, LIMB-GIRDLE, AUTOSOMAL RECESSIVE 10. Identifiers: Orphanet 140922, MedGen C1837342, MONDO:0012127, OMIM 608807.
Tip-toe gait. Also called: Toe walking. Identifiers: MedGen C0427144, HP:0030051.

Allele frequency attached by ClinVar (database versions not stated): ExAC 0.00001; gnomAD exomes 0.00002 and 0.00003; TOPMed 0.00006; ESP Exome Variant Server 0.00008; gnomAD 0.00009.
gnomAD v4.1: 52 of 1,612,660 alleles (0.0032%); highest among the groups gnomAD compares: Middle Eastern, 0.017%; no homozygotes.

Submissions (8):

PreventionGenetics, part of Exact Sciences
Classification: Uncertain significance for TTN-related condition. Last evaluated: 2025-07-23. Review status: criteria provided, single submitter. Criteria: ACMG Guidelines, 2015. Collection method: clinical testing. Allele origin: germline.
Comment: The TTN c.66601G>A variant is predicted to result in the amino acid substitution p.Asp22201Asn. To our knowledge, this variant has not been reported in the literature. This variant is reported in 0.0047% of alleles in individuals of European (Non-Finnish) descent in gnomAD. At this time, the clinical significance of this variant is uncertain due to the absence of conclusive functional and genetic evidence.

Mayo Clinic Laboratories, Mayo Clinic
Classification: Uncertain significance. Last evaluated: 2025-05-13. Review status: criteria provided, single submitter. Criteria: ACMG Guidelines, 2015. Collection method: clinical testing. Allele origin: germline. Observed: 3 variant alleles.
Comment: BP4, PM2_supporting

GeneDx
Classification: Likely benign. Last evaluated: 2021-05-14. Review status: criteria provided, single submitter. Criteria: GeneDx Variant Classification Process June 2021. Collection method: clinical testing. Allele origin: germline. Affected: yes.

Revvity Omics, Revvity
Classification: Uncertain significance. Last evaluated: 2020-03-31. Review status: criteria provided, single submitter. Criteria: ACMG Guidelines, 2015. Collection method: clinical testing. Allele origin: germline.

Ambry Genetics
Classification: Uncertain significance for Cardiovascular phenotype. Last evaluated: 2019-04-04. Review status: criteria provided, single submitter. Criteria: Ambry Variant Classification Scheme 2023. Collection method: clinical testing. Allele origin: germline.
Comment: The p.D13136N variant (also known as c.39406G>A), located in coding exon 143 of the TTN gene, results from a G to A substitution at nucleotide position 39406. The aspartic acid at codon 13136 is replaced by asparagine, an amino acid with highly similar properties. This amino acid position is not well conserved in available vertebrate species. In addition, this alteration is predicted to be tolerated by in silico analysis. Since supporting evidence is limited at this time, the clinical significance of this alteration remains unclear.

Labcorp Genetics (formerly Invitae), Labcorp
Classification: Uncertain significance for Dilated cardiomyopathy 1G; Autosomal recessive limb-girdle muscular dystrophy type 2J. Last evaluated: 2017-12-21. Review status: criteria provided, single submitter. Criteria: Invitae Variant Classification Sherloc (09022015). Collection method: clinical testing. Allele origin: germline.

Eurofins Ntd Llc (ga)
Classification: Uncertain significance. Last evaluated: 2015-03-02. Review status: criteria provided, single submitter. Criteria: EGL Classification Definitions 2015. Collection method: clinical testing. Allele origin: germline. Observed: 1 variant allele, 1 heterozygote.

Practice for Gait Abnormalities, David Pomarino, Competency Network Toe Walking C/o Practice Pomarino
Classification: Likely pathogenic for Tip-toe gait. Review status: no assertion criteria provided. Collection method: clinical testing. Allele origin: germline. Affected: yes. Not counted in ClinVar's aggregate classification.
Comment: Myopathy refers to diseases that affect skeletal Muscles. These diseases attack muscle fibers, making muscles weak. Inherited myopathies are often caused by inheriting an abnormal gene mutation from a parent that causes the disease. Symptoms of congenital myopathies usually start at birth or in early childhood, but may not appear until the teen years or even later in adulthood. Congenital myopathies are somewhat unique compared with other inherited myopathies, as weakness typically affects all muscles and is often not progressive. Symptoms are: Muscle weakness, most commonly of upper arms and shoulders and thighs, muscle cramps, stiffness and spasms, fatigue with exertion and lack of energy. Our patients all walk on tiptoe, so they show similar symptoms. When we genetically test them with our toe walking panel, we find that around 90 per cent of them have a genetic variant that explains their toe walking. These can be assigned, for example, to the area of myopathies (such as variants of the COL6A3 gene), the area of hereditary neuropathies (such as variants of the KMT2C gene) or the area of metabolic diseases (such as variants of the PYGM gene). In a smaller group of patients with almost identical symptoms, no abnormality is found in the genes of our panel, but spastic paraplegia can be detected. In another small group of our toe walkers, no abnormalities can be detected in the genes analysed in our toe walking panel, nor do they suffer from spastic paraplegia, as is also the case with healthy children. In contrast to these, however, they show a tiptoe gait. These patients suffer from infantile cerebral palsy, in which toe walking can also be observed.

Literature cited by the submitters: PubMed 37091313 (cited by Practice for Gait Abnormalities, David Pomarino, Competency Network Toe Walking C/o Practice Pomarino).